The following is an entry in ClinVar:

ClinVar aggregate classification (germline): Uncertain significance. Review status: criteria provided, multiple submitters, no conflicts (2 of 4 stars). 4 submissions from 4 submitters: Uncertain significance (4). Last evaluated 2025-03-07.

Conditions:
Focal segmental glomerulosclerosis 5 (FSGS5). Identifiers: Orphanet 656, MedGen C2750475, MONDO:0013191, OMIM 613237.
Charcot-Marie-Tooth disease dominant intermediate E. Also called: CHARCOT-MARIE-TOOTH NEUROPATHY WITH FOCAL SEGMENTAL GLOMERULONEPHRITIS. Identifiers: Orphanet 93114, MedGen C4302667, MONDO:0013758, OMIM 614455.
Inborn genetic diseases. Identifiers: MedGen C0950123, MeSH D030342.

gnomAD v4.1: 4 of 1,589,712 alleles (0.00025%); highest among the groups gnomAD compares: Non-Finnish European, 0.00026%; no homozygotes.

Submissions (4):

Labcorp Genetics (formerly Invitae), Labcorp
Classification: Uncertain significance for Charcot-Marie-Tooth disease dominant intermediate E; Focal segmental glomerulosclerosis 5. Last evaluated: 2025-03-07. Review status: criteria provided, single submitter. Criteria: Invitae Variant Classification Sherloc (09022015). Collection method: clinical testing. Allele origin: germline.
Comment: This sequence change replaces threonine, which is neutral and polar, with serine, which is neutral and polar, at codon 376 of the INF2 protein (p.Thr376Ser). This variant is not present in population databases (gnomAD no frequency). This variant has not been reported in the literature in individuals affected with INF2-related conditions. ClinVar contains an entry for this variant (Variation ID: 312684). Invitae Evidence Modeling of protein sequence and biophysical properties (such as structural, functional, and spatial information, amino acid conservation, physicochemical variation, residue mobility, and thermodynamic stability) indicates that this missense variant is not expected to disrupt INF2 protein function with a negative predictive value of 95%. In summary, the available evidence is currently insufficient to determine the role of this variant in disease. Therefore, it has been classified as a Variant of Uncertain Significance.

Fulgent Genetics
Classification: Uncertain significance for Focal segmental glomerulosclerosis 5; Charcot-Marie-Tooth disease dominant intermediate E. Last evaluated: 2024-02-27. Review status: criteria provided, single submitter. Criteria: ACMG Guidelines, 2015. Collection method: clinical testing. Allele origin: germline.

Ambry Genetics
Classification: Uncertain significance for Inborn genetic diseases. Last evaluated: 2020-03-02. Review status: criteria provided, single submitter. Criteria: Ambry Variant Classification Scheme 2023. Collection method: clinical testing. Allele origin: germline.
Comment: The p.T376S variant (also known as c.1126A>T), located in coding exon 7 of the INF2 gene, results from an A to T substitution at nucleotide position 1126. The threonine at codon 376 is replaced by serine, an amino acid with similar properties. This amino acid position is poorly conserved in available vertebrate species. In addition, this alteration is predicted to be tolerated by in silico analysis. Since supporting evidence is limited at this time, the clinical significance of this alteration remains unclear.

Illumina Laboratory Services, Illumina
Classification: Uncertain significance for Focal segmental glomerulosclerosis 5. Last evaluated: 2018-01-13. Review status: criteria provided, single submitter. Criteria: ICSL Variant Classification Criteria 13 December 2019. Collection method: clinical testing. Allele origin: germline.

NM_022489.4(INF2):c.1126A>T (p.Thr376Ser)

Gene: INF2 (inverted formin 2; plus strand). Cytogenetic location: 14q32.33.
Variant type: single nucleotide variant.
Coding change: c.1126A>T on transcript NM_022489.4 (MANE Select); coding-DNA position 1126, A replaced by T.
Protein change: p.Thr376Ser; replaces threonine 376 with serine.
Molecular consequence: missense variant.
Genome position (GRCh38, 1-based): chr14:104,707,393, A>T. VCF-style: chr14-104707393-A-T. GRCh37 (hg19) VCF-style: chr14-105173730-A-T.
Other names: c.1126A>T, p.Thr376Ser (NM_001031714.4); short protein forms T376S.
Identifiers: ClinVar variation 312684 (VCV000312684.12), dbSNP rs376942822, ClinGen allele CA10639830.